The following is an entry in ClinVar:

NM_015047.3(EMC1):c.330G>A (p.Trp110Ter)

Gene: EMC1 (ER membrane protein complex subunit 1; minus strand). Cytogenetic location: 1p36.13.
Variant type: single nucleotide variant.
Coding change: c.330G>A on transcript NM_015047.3 (MANE Select); coding-DNA position 330, G replaced by A.
Protein change: p.Trp110Ter; replaces tryptophan 110 with a stop codon.
Molecular consequence: nonsense.
Genome position (GRCh38, 1-based): chr1:19,243,664, C>T on the plus strand (G>A on the coding strand, the complement: EMC1 is on the minus strand). VCF-style: chr1-19243664-C-T. GRCh37 (hg19) VCF-style: chr1-19570158-C-T.
Other names: c.330G>A, p.Trp110Ter (NM_001271427.2, NM_001271428.2, NM_001375820.1 and 1 more transcripts); c.264G>A, p.Trp88Ter (NM_001271429.2); short protein forms W88*, W110*.
Identifiers: ClinVar variation 1455932 (VCV001455932.5), dbSNP rs2093618217, ClinGen allele CA338772128.

ClinVar aggregate classification (germline): Pathogenic (1 of 4 stars; one submission).

Allele frequency attached by ClinVar (database versions not stated): gnomAD exomes below 0.00001; TOPMed below 0.00001; gnomAD 0.00001.
gnomAD v4.1: 4 of 1,614,048 alleles (0.00025%); highest among the groups gnomAD compares: Non-Finnish European, 0.00034%; no homozygotes.

Submission:

Labcorp Genetics (formerly Invitae), Labcorp
Classification: Pathogenic. Last evaluated: 2022-07-06. Review status: criteria provided, single submitter. Criteria: Invitae Variant Classification Sherloc (09022015). Collection method: clinical testing. Allele origin: germline.
Comment: For these reasons, this variant has been classified as Pathogenic. ClinVar contains an entry for this variant (Variation ID: 1455932). This variant has not been reported in the literature in individuals affected with EMC1-related conditions. This variant is not present in population databases (gnomAD no frequency). This sequence change creates a premature translational stop signal (p.Trp110*) in the EMC1 gene. It is expected to result in an absent or disrupted protein product. Loss-of-function variants in EMC1 are known to be pathogenic (PMID: 26572623, 26942288, 29271071).

Literature cited by the submitters: PubMed 26572623; PubMed 26942288; PubMed 29271071.